The following is an entry in ClinVar:

ClinVar aggregate classification (germline): Benign/Likely benign. Review status: criteria provided, multiple submitters, no conflicts (2 of 4 stars). 2 submissions from 2 submitters: Benign (1); Likely benign (1). Last evaluated 2025-09-16.

Allele frequency attached by ClinVar (database versions not stated): 1000 Genomes Project 0.00020; TOPMed 0.00042; gnomAD exomes 0.00050 and 0.00037; 1000 Genomes Project 30x 0.00016; ExAC 0.00026; ESP Exome Variant Server 0.00031; gnomAD 0.00031.
gnomAD v4.1: 777 of 1,614,150 alleles (0.048%); highest among the groups gnomAD compares: Admixed American, 0.11%; 1 homozygote.

Submissions (2):

Mayo Clinic Laboratories, Mayo Clinic
Classification: Benign. Last evaluated: 2025-09-16. Review status: criteria provided, single submitter. Criteria: ACMG Guidelines, 2015. Collection method: clinical testing. Allele origin: germline. Observed: 1 variant allele.
Comment: BS1, BS2, BP4, BP7

Labcorp Genetics (formerly Invitae), Labcorp
Classification: Likely benign. Last evaluated: 2018-07-02. Review status: criteria provided, single submitter. Criteria: Invitae Variant Classification Sherloc (09022015). Collection method: clinical testing. Allele origin: germline.

NM_001164760.2(PRKAR1B):c.819C>T (p.Pro273=)

Gene: PRKAR1B (protein kinase cAMP-dependent type I regulatory subunit beta; minus strand). Cytogenetic location: 7p22.3.
Variant type: single nucleotide variant.
Coding change: c.819C>T on transcript NM_001164760.2 (MANE Select); coding-DNA position 819, C replaced by T.
Protein change: p.Pro273=; no amino-acid change (proline 273 retained).
Molecular consequence: synonymous variant.
Genome position (GRCh38, 1-based): chr7:579,328, G>A on the plus strand (C>T on the coding strand, the complement: PRKAR1B is on the minus strand). VCF-style: chr7-579328-G-A. GRCh37 (hg19) VCF-style: chr7-618965-G-A.
Other names: p.Pro273=; c.819C>T, p.Pro273= (NM_001164758.2, NM_001164759.1, NM_001164761.2 and 2 more transcripts).
Identifiers: ClinVar variation 730203 (VCV000730203.4), dbSNP rs199622718, ClinGen allele CA4109951.